The following is an entry in ClinVar:

ClinVar aggregate classification (germline): Uncertain significance (1 of 4 stars; one submission).

Conditions:
Classic or attenuated familial adenomatous polyposis. Identifiers: MedGen CN372698, MONDO:0021057.

Submission:

All of Us Research Program, National Institutes of Health
Classification: Uncertain significance for Classic or attenuated familial adenomatous polyposis. Last evaluated: 2023-03-04. Review status: criteria provided, single submitter. Criteria: ACMG Guidelines, 2015. Collection method: clinical testing. Allele origin: germline. Inheritance: Autosomal dominant inheritance. Observed: 1 variant allele, 1 heterozygote.
Comment: This study involves interpretation of variants in research participants for the purpose of population health screening. Participant phenotype was not available at the time of variant classification. Additional details can be found in publication PMID: 35346344, PMCID: PMC8962531

NM_000038.6(APC):c.3392A>C (p.Gln1131Pro)

Gene: APC (APC regulator of WNT signaling pathway; plus strand). Cytogenetic location: 5q22.2.
Variant type: single nucleotide variant.
Coding change: c.3392A>C on transcript NM_000038.6 (MANE Select); coding-DNA position 3392, A replaced by C.
Protein change: p.Gln1131Pro; replaces glutamine 1131 with proline.
Molecular consequence: missense variant. On other transcripts: non-coding transcript variant (2).
Genome position (GRCh38, 1-based): chr5:112,838,986, A>C. VCF-style: chr5-112838986-A-C. GRCh37 (hg19) VCF-style: chr5-112174683-A-C.
Other names: c.3392A>C, p.Gln1131Pro (NM_001127510.3, NM_001354895.2, NM_001407450.1); c.3338A>C, p.Gln1113Pro (NM_001127511.3); c.3446A>C, p.Gln1149Pro (NM_001354896.2, NM_001407447.1, NM_001407448.1 and 1 more transcripts); c.3422A>C, p.Gln1141Pro (NM_001354897.2); c.3317A>C, p.Gln1106Pro (NM_001354898.2); c.3308A>C, p.Gln1103Pro (NM_001354899.2); c.3269A>C, p.Gln1090Pro (NM_001354900.2); c.3215A>C, p.Gln1072Pro (NM_001354901.2, NM_001407453.1); and 11 more; short protein forms Q1002P, Q1005P, Q1030P, Q1040P, Q1048P, Q1072P, Q1090P, Q1103P.
Identifiers: ClinVar variation 3069437 (VCV003069437.1), dbSNP rs2149890998, ClinGen allele CA16028763.